The following is an entry in ClinVar:

NM_006158.5(NEFL):c.1412C>A (p.Pro471His)

Gene: NEFL (neurofilament light chain; minus strand). Cytogenetic location: 8p21.2.
Variant type: single nucleotide variant.
Coding change: c.1412C>A on transcript NM_006158.5 (MANE Select); coding-DNA position 1412, C replaced by A.
Protein change: p.Pro471His; replaces proline 471 with histidine.
Molecular consequence: missense variant.
Genome position (GRCh38, 1-based): chr8:24,953,553, G>T on the plus strand (C>A on the coding strand, the complement: NEFL is on the minus strand). VCF-style: chr8-24953553-G-T. GRCh37 (hg19) VCF-style: chr8-24811067-G-T.
Other names: short protein forms P471H.
Identifiers: ClinVar variation 1351702 (VCV001351702.7), dbSNP rs756696405, ClinGen allele CA174058450.

ClinVar aggregate classification (germline): Uncertain significance. Review status: criteria provided, multiple submitters, no conflicts (2 of 4 stars). 2 submissions from 2 submitters: Uncertain significance (2). Last evaluated 2024-08-14.

Conditions:
Charcot-Marie-Tooth disease type 2E (CMT2E). Also called: CHARCOT-MARIE-TOOTH DISEASE, AXONAL, TYPE 2E; CHARCOT-MARIE-TOOTH NEUROPATHY, TYPE 2E. Identifiers: Orphanet 99939, MedGen C1843225, MONDO:0011894, OMIM 607684.

gnomAD v4.1: 16 of 1,613,632 alleles (0.00099%); highest among the groups gnomAD compares: South Asian, 0.0022%; no homozygotes.

Submissions (2):

Labcorp Genetics (formerly Invitae), Labcorp
Classification: Uncertain significance for Charcot-Marie-Tooth disease type 2E. Last evaluated: 2024-08-14. Review status: criteria provided, single submitter. Criteria: Invitae Variant Classification Sherloc (09022015). Collection method: clinical testing. Allele origin: germline.
Comment: This sequence change replaces proline, which is neutral and non-polar, with histidine, which is basic and polar, at codon 471 of the NEFL protein (p.Pro471His). This variant is present in population databases (no rsID available, gnomAD 0.003%). This variant has not been reported in the literature in individuals affected with NEFL-related conditions. Invitae Evidence Modeling of protein sequence and biophysical properties (such as structural, functional, and spatial information, amino acid conservation, physicochemical variation, residue mobility, and thermodynamic stability) has been performed for this missense variant. However, the output from this modeling did not meet the statistical confidence thresholds required to predict the impact of this variant on NEFL protein function. In summary, the available evidence is currently insufficient to determine the role of this variant in disease. Therefore, it has been classified as a Variant of Uncertain Significance.

Neuberg Centre For Genomic Medicine, NCGM
Classification: Uncertain significance for Charcot-Marie-Tooth disease type 2E. Review status: criteria provided, single submitter. Criteria: ACMG Guidelines, 2015. Collection method: clinical testing. Allele origin: germline. Inheritance: Autosomal dominant inheritance. Affected: yes.
Comment: The missense c.1412C>A (p.Pro471His) variant in the NEFL gene has not been reported previously as a pathogenic variant nor as a benign variant, to our knowledge. This variant is reported with the allele frequency (0.0007%) in the gnomAD Exomes. This variant has been reported to the ClinVar database as Uncertain Significance. However, no details are available for independent assessment. The amino acid Proline at position 471 is changed to a Histidine changing protein sequence and it might alter its composition and physico-chemical properties. The variant is predicted as damaging by SIFT. The amino acid change p.Pro471His in NEFL is predicted as conserved by GERP++ and PhyloP across 100 vertebrates. For these reasons, this variant has been classified as Uncertain Significance.